The following is an entry in ClinVar:

NM_000821.7(GGCX):c.1494C>T (p.Arg498=)

Gene: GGCX (gamma-glutamyl carboxylase; minus strand). Cytogenetic location: 2p11.2.
Variant type: single nucleotide variant.
Coding change: c.1494C>T on transcript NM_000821.7 (MANE Select); coding-DNA position 1494, C replaced by T.
Protein change: p.Arg498=; no amino-acid change (arginine 498 retained).
Molecular consequence: synonymous variant.
Genome position (GRCh38, 1-based): chr2:85,551,927, G>A on the plus strand (C>T on the coding strand, the complement: GGCX is on the minus strand). VCF-style: chr2-85551927-G-A. GRCh37 (hg19) VCF-style: chr2-85779050-G-A.
Other names: p.Arg498=; c.1323C>T, p.Arg441= (NM_001142269.4).
Identifiers: ClinVar variation 337263 (VCV000337263.14), dbSNP rs41290033, ClinGen allele CA1741795.

ClinVar aggregate classification (germline): Benign. Review status: criteria provided, multiple submitters, no conflicts (2 of 4 stars). 4 submissions from 4 submitters: Benign (4). Last evaluated 2026-02-04.

Conditions:
Vitamin K-dependent clotting factors, combined deficiency of, type 1. Also called: FACTORS II, VII, IX, AND X, COMBINED DEFICIENCY OF; FAMILIAL MULTIPLE COAGULATION FACTOR DEFICIENCY III; FMFD III; GLUTAMIC ACID, DEFICIENT GAMMA-CARBOXYLATION OF; MULTIPLE COAGULATION FACTOR DEFICIENCY III; VITAMIN K-DEPENDENT COAGULATION DEFECT. Identifiers: Orphanet 98434, MedGen C1848534, MONDO:0010187, OMIM 277450.

Allele frequency attached by ClinVar (database versions not stated): 1000 Genomes Project 30x 0.00937; 1000 Genomes Project 0.00938; TOPMed 0.01377; gnomAD 0.01498 and 0.01507; ESP Exome Variant Server 0.01569; gnomAD exomes 0.01576 and 0.02249; ExAC 0.01634.
gnomAD v4.1: 34,973 of 1,613,536 alleles (2.2%); highest among the groups gnomAD compares: Non-Finnish European, 2.6%; 443 homozygotes.

Submissions (4):

Labcorp Genetics (formerly Invitae), Labcorp
Classification: Benign. Last evaluated: 2026-02-04. Review status: criteria provided, single submitter. Criteria: Invitae Variant Classification Sherloc (09022015). Collection method: clinical testing. Allele origin: germline.

Mayo Clinic Laboratories, Mayo Clinic
Classification: Benign. Last evaluated: 2024-01-18. Review status: criteria provided, single submitter. Criteria: ACMG Guidelines, 2015. Collection method: clinical testing. Allele origin: germline. Observed: 3 variant alleles.
Comment: BS1, BS2

Illumina Laboratory Services, Illumina
Classification: Benign for Vitamin K-dependent clotting factors, combined deficiency of, type 1. Last evaluated: 2018-01-13. Review status: criteria provided, single submitter. Criteria: ICSL Variant Classification Criteria 13 December 2019. Collection method: clinical testing. Allele origin: germline.
Comment: This variant was observed in the ICSL laboratory as part of a predisposition screen in an ostensibly healthy population. It had not been previously curated by ICSL or reported in the Human Gene Mutation Database (HGMD: prior to June 1st, 2018), and was therefore a candidate for classification through an automated scoring system. Utilizing variant allele frequency, disease prevalence and penetrance estimates, and inheritance mode, an automated score was calculated to assess if this variant is too frequent to cause the disease. Based on the score and internal cut-off values, a variant classified as benign is not then subjected to further curation. The score for this variant resulted in a classification of benign for this disease.

Breakthrough Genomics
Classification: Benign. Review status: criteria provided, single submitter. Criteria: ACMG Guidelines, 2015. Collection method: not provided. Allele origin: germline. Inheritance: Autosomal recessive inheritance. Affected: yes.